The following is an entry in ClinVar:

NM_181507.2(HPS5):c.815_822del (p.Ile272fs)

Gene: HPS5 (HPS5 biogenesis of lysosomal organelles complex 2 subunit 2; minus strand). Cytogenetic location: 11p15.1.
Variant type: Deletion.
Coding change: c.815_822del on transcript NM_181507.2 (MANE Select); coding-DNA positions 815 to 822, 8 bases deleted (TTACTCTC; older notation c.815_822delTTACTCTC).
Protein change: p.Ile272fs; shifts the reading frame from isoleucine 272.
Molecular consequence: frameshift variant.
Genome position (GRCh38, 1-based): chr11:18,306,137-18,306,144, GAGAGTAA deleted on the plus strand (TTACTCTC on the coding strand, the reverse complement: HPS5 is on the minus strand). VCF-style (leftmost placement, unchanged base first): chr11-18306136-TGAGAGTAA-T. GRCh37 (hg19) VCF-style: chr11-18327683-TGAGAGTAA-T.
Other names: c.473_480del, p.Ile158fs (NM_007216.4); c.473_480delTTACTCTC, p.Ile158Lysfs (NM_181508.2); short protein forms I272fs, I158fs.
Identifiers: ClinVar variation 3011694 (VCV003011694.3), dbSNP rs1404519340, ClinGen allele CA597456365.

ClinVar aggregate classification (germline): Pathogenic (1 of 4 stars; one submission).

Allele frequency attached by ClinVar (database versions not stated): TOPMed below 0.00001.

Submission:

Labcorp Genetics (formerly Invitae), Labcorp
Classification: Pathogenic. Last evaluated: 2024-01-31. Review status: criteria provided, single submitter. Criteria: Invitae Variant Classification Sherloc (09022015). Collection method: clinical testing. Allele origin: germline.
Comment: This sequence change creates a premature translational stop signal (p.Ile272Lysfs*7) in the HPS5 gene. It is expected to result in an absent or disrupted protein product. Loss-of-function variants in HPS5 are known to be pathogenic (PMID: 12548288, 15296495, 21833017, 26785811). This variant is present in population databases (no rsID available, gnomAD 0.007%). This variant has not been reported in the literature in individuals affected with HPS5-related conditions. For these reasons, this variant has been classified as Pathogenic.

Literature cited by the submitters: PubMed 12548288; PubMed 15296495; PubMed 21833017; PubMed 26785811.